The following is an entry in ClinVar:

ClinVar aggregate classification (germline): Uncertain significance (1 of 4 stars; one submission).

Conditions:
Familial intrahepatic cholestasis. Identifiers: Orphanet 284385, MedGen CN296401, MONDO:0017290.

gnomAD v4.1: 6 of 1,613,062 alleles (0.00037%); highest among the groups gnomAD compares: Non-Finnish European, 0.00051%; no homozygotes.

Submission:

Genomenon, Inc
Classification: Uncertain significance for Familial intrahepatic cholestasis. Last evaluated: 2026-04-14. Review status: criteria provided, single submitter. Criteria: Genomenon Sequence Variant Interpretation Standards - Updated. Collection method: curation. Allele origin: germline. Affected: yes.
Comment: ABCB11 p.Gly937Arg (c.2809G>A) is a missense variant that changes the amino acid at residue 937 from Glycine to Arginine. This variant has been observed in at least one proband with an ABCB11-related disorder (PMID:29304564;24905729;34016879). It is absent or not present at a significant frequency in gnomAD. In silico models predict that this variant is possibly or probably damaging. In conclusion, we classify ABCB11 p.Gly937Arg (c.2809G>A) as a variant of uncertain significance.

Literature cited by the submitters: PubMed 29304564; PubMed 24905729; PubMed 34016879.

NM_003742.4(ABCB11):c.2809G>A (p.Gly937Arg)

Genes: ABCB11 (ATP binding cassette subfamily B member 11; minus strand), LOC126806400 (CDK7 strongly-dependent group 2 enhancer GRCh37_chr2:169791870-169793069; plus strand). Cytogenetic location: 2q31.1.
Variant type: single nucleotide variant.
Coding change: c.2809G>A on transcript NM_003742.4 (MANE Select); coding-DNA position 2809, G replaced by A.
Protein change: p.Gly937Arg; replaces glycine 937 with arginine.
Molecular consequence: missense variant.
Genome position (GRCh38, 1-based): chr2:168,936,235, C>T on the plus strand (G>A on the coding strand, the complement: ABCB11 is on the minus strand). VCF-style: chr2-168936235-C-T. GRCh37 (hg19) VCF-style: chr2-169792745-C-T.
Other names: short protein forms G937R.
Identifiers: ClinVar variation 4846037 (VCV004846037.1).
Genomic context (GRCh38, chr2:168,936,235, plus strand): 5'-TTGTCTGATAGCCACTCAGCCATGAGGAATGGGAAAATTAGATCTGCAAGATTACCTGTC[C>T]CACCATCTCCAGGGCCTGCTTATCTCGAGAGGCAAATCCTGTCAACATCCTGGTCTGTGT-3'
Protein context (NP_003733.2, residues 927-947): SRDKQALEMV[Gly937Arg]QITNEALSNI